The following is an entry in ClinVar:

ClinVar aggregate classification (germline): Uncertain significance (1 of 4 stars; one submission).

Conditions:
MOGS-congenital disorder of glycosylation. Also called: CDG IIb; CDG 2B; GLUCOSIDASE I DEFICIENCY; MOGS-CDG. Identifiers: Orphanet 79330, MedGen C1853736, MONDO:0011629, OMIM 606056.

Allele frequency attached by ClinVar (database versions not stated): gnomAD exomes 0.00001; ExAC 0.00006.
gnomAD v4.1: 7 of 1,554,504 alleles (0.00045%); highest among the groups gnomAD compares: South Asian, 0.0082%; no homozygotes.

Submission:

Labcorp Genetics (formerly Invitae), Labcorp
Classification: Uncertain significance for MOGS-congenital disorder of glycosylation. Last evaluated: 2022-02-11. Review status: criteria provided, single submitter. Criteria: Invitae Variant Classification Sherloc (09022015). Collection method: clinical testing. Allele origin: germline.
Comment: This sequence change replaces alanine, which is neutral and non-polar, with valine, which is neutral and non-polar, at codon 54 of the MOGS protein (p.Ala54Val). The frequency data for this variant in the population databases is considered unreliable, as metrics indicate poor data quality at this position in the gnomAD database. This variant has not been reported in the literature in individuals affected with MOGS-related conditions. Algorithms developed to predict the effect of missense changes on protein structure and function output the following: SIFT: "Tolerated"; PolyPhen-2: "Benign"; Align-GVGD: "Class C0". The valine amino acid residue is found in multiple mammalian species, which suggests that this missense change does not adversely affect protein function. In summary, the available evidence is currently insufficient to determine the role of this variant in disease. Therefore, it has been classified as a Variant of Uncertain Significance.

NM_006302.3(MOGS):c.161C>T (p.Ala54Val)

Genes: MOGS (mannosyl-oligosaccharide glucosidase; minus strand), LOC129934128 (ATAC-STARR-seq lymphoblastoid silent region 11664; plus strand). Cytogenetic location: 2p13.1.
Variant type: single nucleotide variant.
Coding change: c.161C>T on transcript NM_006302.3 (MANE Select); coding-DNA position 161, C replaced by T.
Protein change: p.Ala54Val; replaces alanine 54 with valine.
Molecular consequence: missense variant. On other transcripts: intron variant (1).
Genome position (GRCh38, 1-based): chr2:74,465,087, G>A on the plus strand (C>T on the coding strand, the complement: MOGS is on the minus strand). VCF-style: chr2-74465087-G-A. GRCh37 (hg19) VCF-style: chr2-74692214-G-A.
Other names: c.-58-100C>T (NM_001146158.2); short protein forms A54V.
Identifiers: ClinVar variation 1896150 (VCV001896150.5), dbSNP rs754958824, ClinGen allele CA1725104.